The following is an entry in ClinVar:

ClinVar aggregate classification (germline): Uncertain significance. Review status: criteria provided, multiple submitters, no conflicts (2 of 4 stars). 2 submissions from 2 submitters: Uncertain significance (2). Last evaluated 2021-03-23.

Conditions:
Hereditary cancer-predisposing syndrome. Also called: Neoplastic Syndromes, Hereditary; Hereditary Cancer Syndrome; Hereditary neoplastic syndrome; Tumor predisposition. Identifiers: Orphanet 140162, MedGen C0027672, MeSH D009386, MONDO:0015356.

Submissions (2):

Ambry Genetics
Classification: Uncertain significance for Hereditary cancer-predisposing syndrome. Last evaluated: 2021-03-23. Review status: criteria provided, single submitter. Criteria: Ambry Variant Classification Scheme 2023. Collection method: clinical testing. Allele origin: germline.
Comment: The c.588G>A variant (also known as p.Q196Q) is located in coding exon 4 of the CTNNA1 gene. This variant results from a G to A substitution at nucleotide position 588. This nucleotide substitution does not change the glutamine at codon 196. However, this change occurs in the last base pair of coding exon 4, which makes it likely to have some effect on normal mRNA splicing. This nucleotide position is highly conserved in available vertebrate species. In silico splice site analysis predicts that this alteration will not have any significant effect on splicing. Since supporting evidence is limited at this time, the clinical significance of this alteration remains unclear.

Labcorp Genetics (formerly Invitae), Labcorp
Classification: Uncertain significance. Last evaluated: 2021-01-28. Review status: criteria provided, single submitter. Criteria: Invitae Variant Classification Sherloc (09022015). Collection method: clinical testing. Allele origin: germline.
Comment: This sequence change affects codon 196 of the CTNNA1 mRNA. It is a 'silent' change, meaning that it does not change the encoded amino acid sequence of the CTNNA1 protein. This variant is not present in population databases (ExAC no frequency). This variant has not been reported in the literature in individuals with CTNNA1-related conditions. Algorithms developed to predict the effect of sequence changes on RNA splicing suggest that this variant may disrupt the consensus splice site, but this prediction has not been confirmed by published transcriptional studies. In summary, the available evidence is currently insufficient to determine the role of this variant in disease. Therefore, it has been classified as a Variant of Uncertain Significance.

NM_001903.5(CTNNA1):c.588G>A (p.Gln196=)

Gene: CTNNA1 (catenin alpha 1; plus strand). Cytogenetic location: 5q31.2.
Variant type: single nucleotide variant.
Coding change: c.588G>A on transcript NM_001903.5 (MANE Select); coding-DNA position 588, G replaced by A.
Protein change: p.Gln196=; no amino-acid change (glutamine 196 retained).
Molecular consequence: synonymous variant.
Genome position (GRCh38, 1-based): chr5:138,812,302, G>A. VCF-style: chr5-138812302-G-A. GRCh37 (hg19) VCF-style: chr5-138147991-G-A.
Other names: c.588G>A, p.Gln196= (NM_001290307.3, NM_001323982.2, NM_001323983.1 and 3 more transcripts); c.279G>A, p.Gln93= (NM_001290309.3); c.219G>A, p.Gln73= (NM_001290310.3).
Identifiers: ClinVar variation 1438061 (VCV001438061.10), dbSNP rs1758906474, ClinGen allele CA446591497.